The following is an entry in ClinVar:

ClinVar aggregate classification (germline): Likely pathogenic. Review status: criteria provided, multiple submitters, no conflicts (2 of 4 stars). 2 submissions from 2 submitters: Likely pathogenic (2). Last evaluated 2020-03-31.

Conditions:
Long QT syndrome (LQTS). Identifiers: MedGen C0023976, MeSH D008133, MONDO:0002442. Disease mechanism: loss of function. Inheritance: Various modes of inheritance.

Submissions (2):

Labcorp Genetics (formerly Invitae), Labcorp
Classification: Likely pathogenic for Long QT syndrome. Last evaluated: 2020-03-31. Review status: criteria provided, single submitter. Criteria: Invitae Variant Classification Sherloc (09022015). Collection method: clinical testing. Allele origin: germline.
Comment: This sequence change affects an acceptor splice site in intron 1 of the KCNH2 gene. It is expected to disrupt RNA splicing and likely results in an absent or disrupted protein product. This variant is not present in population databases (ExAC no frequency). This variant has been observed in individual(s) with clinical features of long QT syndrome (Invitae). ClinVar contains an entry for this variant (Variation ID: 200537). Algorithms developed to predict the effect of sequence changes on RNA splicing suggest that this variant may disrupt the consensus splice site, but this prediction has not been confirmed by published transcriptional studies. Donor and acceptor splice site variants typically lead to a loss of protein function (PMID: 16199547), and loss-of-function variants in KCNH2 are known to be pathogenic (PMID: 10973849, 19862833). In summary, the currently available evidence indicates that the variant is pathogenic, but additional data are needed to prove that conclusively. Therefore, this variant has been classified as Likely Pathogenic.

GeneDx
Classification: Likely pathogenic. Last evaluated: 2016-08-19. Review status: criteria provided, single submitter. Criteria: GeneDx Variant Classification (06012015). Collection method: clinical testing. Allele origin: germline. Affected: yes.
Comment: the c.77-1 G>A variant has not been reported as a pathogenic variant or as a benign variant to our knowledge. So far, segregation data is limited or absent for this individual due to the lack of clinical information provided and/or insufficient participation by informative family members. The c.77-1 G>A variant destroys the canonical splice acceptor site in intron 1 and is predicted to cause abnormal gene splicing. This variant is predicted to lead to either an abnormal message that is subject to nonsense-mediated mRNA decay, or to an abnormal protein product if the message is used for protein translation. Other splice site variants in the KCNH2 gene have been reported in HGMD in association with LQTS (Stenson et al., 2014). Furthermore, the c.77-1 G>A variant was not observed in approximately 6,500 individuals of European and African American ancestry in the NHLBI Exome Sequencing Project, indicating it is not a common benign variant in these populations.

Literature cited by the submitters: PubMed 16199547 (cited by Labcorp Genetics (formerly Invitae), Labcorp); PubMed 10973849 (cited by Labcorp Genetics (formerly Invitae), Labcorp); PubMed 19862833 (cited by Labcorp Genetics (formerly Invitae), Labcorp).

NM_000238.4(KCNH2):c.77-1G>A

Gene: KCNH2 (potassium voltage-gated channel subfamily H member 2; minus strand). Cytogenetic location: 7q36.1.
Variant type: single nucleotide variant.
Coding change: c.77-1G>A on transcript NM_000238.4 (MANE Select); the canonical splice acceptor site of the intron before coding-DNA position 77, G replaced by A.
Molecular consequence: splice acceptor variant.
Genome position (GRCh38, 1-based): chr7:150,974,942, C>T on the plus strand (G>A on the coding strand, the complement: KCNH2 is on the minus strand). VCF-style: chr7-150974942-C-T. GRCh37 (hg19) VCF-style: chr7-150672030-C-T.
Other names: c.77-1G>A (NM_172056.3); c.-101-1G>A (NM_001406755.1).
Identifiers: ClinVar variation 200537 (VCV000200537.12), dbSNP rs794728406, ClinGen allele CA008799.